The following is an entry in ClinVar:

ClinVar aggregate classification (germline): Uncertain significance (1 of 4 stars; one submission).

Allele frequency attached by ClinVar (database versions not stated): ExAC 0.00001; gnomAD 0.00003; TOPMed 0.00005.

Submission:

Labcorp Genetics (formerly Invitae), Labcorp
Classification: Uncertain significance. Last evaluated: 2023-10-28. Review status: criteria provided, single submitter. Criteria: Invitae Variant Classification Sherloc (09022015). Collection method: clinical testing. Allele origin: germline.
Comment: This sequence change replaces leucine, which is neutral and non-polar, with phenylalanine, which is neutral and non-polar, at codon 151 of the IL23R protein (p.Leu151Phe). This variant is present in population databases (rs776235812, gnomAD 0.004%). This variant has not been reported in the literature in individuals affected with IL23R-related conditions. An algorithm developed to predict the effect of missense changes on protein structure and function (PolyPhen-2) suggests that this variant is likely to be disruptive. In summary, the available evidence is currently insufficient to determine the role of this variant in disease. Therefore, it has been classified as a Variant of Uncertain Significance.

NM_144701.3(IL23R):c.451C>T (p.Leu151Phe)

Gene: IL23R (interleukin 23 receptor; plus strand). Cytogenetic location: 1p31.3.
Variant type: single nucleotide variant.
Coding change: c.451C>T on transcript NM_144701.3 (MANE Select); coding-DNA position 451, C replaced by T.
Protein change: p.Leu151Phe; replaces leucine 151 with phenylalanine.
Molecular consequence: missense variant.
Genome position (GRCh38, 1-based): chr1:67,182,919, C>T. VCF-style: chr1-67182919-C-T. GRCh37 (hg19) VCF-style: chr1-67648602-C-T.
Other names: short protein forms L151F.
Identifiers: ClinVar variation 3015599 (VCV003015599.3), dbSNP rs776235812, ClinGen allele CA899713.